The following is an entry in ClinVar:

NM_013382.7(POMT2):c.1396C>T (p.Arg466Trp)

Gene: POMT2 (protein O-mannosyltransferase 2; minus strand). Cytogenetic location: 14q24.3.
Variant type: single nucleotide variant.
Coding change: c.1396C>T on transcript NM_013382.7 (MANE Select); coding-DNA position 1396, C replaced by T.
Protein change: p.Arg466Trp; replaces arginine 466 with tryptophan.
Molecular consequence: missense variant.
Genome position (GRCh38, 1-based): chr14:77,285,569, G>A on the plus strand (C>T on the coding strand, the complement: POMT2 is on the minus strand). VCF-style: chr14-77285569-G-A. GRCh37 (hg19) VCF-style: chr14-77751912-G-A.
Other names: short protein forms R466W.
Identifiers: ClinVar variation 314556 (VCV000314556.15), dbSNP rs763119319, ClinGen allele CA7285862.

ClinVar aggregate classification (germline): Uncertain significance. Review status: criteria provided, multiple submitters, no conflicts (2 of 4 stars). 4 submissions from 4 submitters: Uncertain significance (4). Last evaluated 2025-09-10.

Conditions:
Inborn genetic diseases. Identifiers: MedGen C0950123, MeSH D030342.
Muscular dystrophy-dystroglycanopathy (congenital with brain and eye anomalies), type A2. Also called: WALKER-WARBURG SYNDROME OR MUSCLE-EYE-BRAIN DISEASE, POMT2-RELATED; MUSCULAR DYSTROPHY-DYSTROGLYCANOPATHY (CONGENITAL WITH BRAIN AND EYE ANOMALIES), TYPE A, 2. Identifiers: Orphanet 588, Orphanet 899, MedGen C3150411, MONDO:0013154, OMIM 613150.
Muscular dystrophy-dystroglycanopathy (congenital with impaired intellectual development), type B, 2. Also called: Muscular dystrophy-dystroglycanopathy (congenital with intellectual disability), type B2; MUSCULAR DYSTROPHY, CONGENITAL, POMT2-RELATED. Identifiers: MedGen C3150416, MONDO:0013160, OMIM 613156.
Autosomal recessive limb-girdle muscular dystrophy type 2N. Also called: MUSCULAR DYSTROPHY-DYSTROGLYCANOPATHY, LIMB-GIRDLE, POMT2-RELATED; Muscular dystrophy-dystroglycanopathy (limb-girdle), type C, 2. Identifiers: Orphanet 206559, MedGen C3150418, MONDO:0013162, OMIM 613158.

Allele frequency attached by ClinVar (database versions not stated): gnomAD 0.00006 and 0.00007; gnomAD exomes 0.00005 and 0.00014; ExAC 0.00011; TOPMed 0.00009.
gnomAD v4.1: 83 of 1,613,828 alleles (0.0051%); highest among the groups gnomAD compares: Admixed American, 0.048%; no homozygotes.

Submissions (4):

GeneDx
Classification: Uncertain significance. Last evaluated: 2025-09-10. Review status: criteria provided, single submitter. Criteria: GeneDx Variant Classification Process June 2021. Collection method: clinical testing. Allele origin: germline. Affected: yes.
Comment: In silico analysis supports that this missense variant has a deleterious effect on protein structure/function; Has not been previously published as pathogenic or benign to our knowledge

Ambry Genetics
Classification: Uncertain significance for Inborn genetic diseases. Last evaluated: 2025-04-03. Review status: criteria provided, single submitter. Criteria: Ambry Variant Classification Scheme 2023. Collection method: clinical testing. Allele origin: germline.

Labcorp Genetics (formerly Invitae), Labcorp
Classification: Uncertain significance for Muscular dystrophy-dystroglycanopathy (congenital with impaired intellectual development), type B, 2; Muscular dystrophy-dystroglycanopathy (congenital with brain and eye anomalies), type A2; Autosomal recessive limb-girdle muscular dystrophy type 2N. Last evaluated: 2024-08-14. Review status: criteria provided, single submitter. Criteria: Invitae Variant Classification Sherloc (09022015). Collection method: clinical testing. Allele origin: germline.
Comment: This sequence change replaces arginine, which is basic and polar, with tryptophan, which is neutral and slightly polar, at codon 466 of the POMT2 protein (p.Arg466Trp). This variant is present in population databases (rs763119319, gnomAD 0.07%). This variant has not been reported in the literature in individuals affected with POMT2-related conditions. ClinVar contains an entry for this variant (Variation ID: 314556). Invitae Evidence Modeling of protein sequence and biophysical properties (such as structural, functional, and spatial information, amino acid conservation, physicochemical variation, residue mobility, and thermodynamic stability) has been performed for this missense variant. However, the output from this modeling did not meet the statistical confidence thresholds required to predict the impact of this variant on POMT2 protein function. In summary, the available evidence is currently insufficient to determine the role of this variant in disease. Therefore, it has been classified as a Variant of Uncertain Significance.

Illumina Laboratory Services, Illumina
Classification: Uncertain significance for Autosomal recessive limb-girdle muscular dystrophy type 2N. Last evaluated: 2018-01-12. Review status: criteria provided, single submitter. Criteria: ICSL Variant Classification Criteria 13 December 2019. Collection method: clinical testing. Allele origin: germline.